The following is an entry in ClinVar:

NM_014363.6(SACS):c.9328A>G (p.Thr3110Ala)

Gene: SACS (sacsin molecular chaperone; minus strand). Cytogenetic location: 13q12.12.
Variant type: single nucleotide variant.
Coding change: c.9328A>G on transcript NM_014363.6 (MANE Select); coding-DNA position 9328, A replaced by G.
Protein change: p.Thr3110Ala; replaces threonine 3110 with alanine.
Molecular consequence: missense variant.
Genome position (GRCh38, 1-based): chr13:23,334,548, T>C on the plus strand (A>G on the coding strand, the complement: SACS is on the minus strand). VCF-style: chr13-23334548-T-C. GRCh37 (hg19) VCF-style: chr13-23908687-T-C.
Other names: c.8887A>G, p.Thr2963Ala (NM_001278055.2); short protein forms T2963A, T3110A.
Identifiers: ClinVar variation 1508255 (VCV001508255.8), dbSNP rs1883705967, ClinGen allele CA387514684.

ClinVar aggregate classification (germline): Uncertain significance (1 of 4 stars; one submission).

Conditions:
Spastic paraplegia. Identifiers: MedGen C0037772, HP:0001258.

Submission:

Labcorp Genetics (formerly Invitae), Labcorp
Classification: Uncertain significance for Spastic paraplegia. Last evaluated: 2022-01-27. Review status: criteria provided, single submitter. Criteria: Invitae Variant Classification Sherloc (09022015). Collection method: clinical testing. Allele origin: germline.
Comment: This sequence change replaces threonine, which is neutral and polar, with alanine, which is neutral and non-polar, at codon 3110 of the SACS protein (p.Thr3110Ala). In summary, the available evidence is currently insufficient to determine the role of this variant in disease. Therefore, it has been classified as a Variant of Uncertain Significance. Advanced modeling of protein sequence and biophysical properties (such as structural, functional, and spatial information, amino acid conservation, physicochemical variation, residue mobility, and thermodynamic stability) performed at Invitae indicates that this missense variant is not expected to disrupt SACS protein function. This variant has not been reported in the literature in individuals affected with SACS-related conditions. This variant is not present in population databases (gnomAD no frequency).